The following is an entry in ClinVar:

NM_001211.6(BUB1B):c.2722A>G (p.Lys908Glu)

Genes: BUB1B (BUB1 mitotic checkpoint serine/threonine kinase B; plus strand), BUB1B-PAK6 (BUB1B-PAK6 readthrough; plus strand). Cytogenetic location: 15q15.1.
Variant type: single nucleotide variant.
Coding change: c.2722A>G on transcript NM_001211.6 (MANE Select); coding-DNA position 2722, A replaced by G.
Protein change: p.Lys908Glu; replaces lysine 908 with glutamic acid.
Molecular consequence: missense variant. On other transcripts: 5 prime UTR variant (2).
Genome position (GRCh38, 1-based): chr15:40,217,539, A>G. VCF-style: chr15-40217539-A-G. GRCh37 (hg19) VCF-style: chr15-40509740-A-G.
Other names: c.-329A>G (NM_001128628.3); c.-246A>G (NM_001128629.3); short protein forms K908E.
Identifiers: ClinVar variation 5020245 (VCV005020245.1).

ClinVar aggregate classification (germline): Uncertain significance (1 of 4 stars; one submission).

Submission:

Dasa
Classification: Uncertain significance. Last evaluated: 2026-08-10. Review status: criteria provided, single submitter. Criteria: DASA Assertion Criteria. Collection method: clinical testing. Allele origin: germline.
Comment: NM_001211.6(BUB1B):c.2722A>G (p.Lys908Glu) is a missense variant that results in the substitution of lysine with glutamic acid. This variant is rare in population databases. The currently available literature and clinical evidence are not sufficient to establish a definitive association between this variant and the reported condition. Therefore, this variant is classified as a variant of uncertain significance.